The following is an entry in ClinVar:

NM_005263.5(GFI1):c.71A>C (p.Asp24Ala)

Gene: GFI1 (growth factor independent 1 transcriptional repressor; minus strand). Cytogenetic location: 1p22.1.
Variant type: single nucleotide variant.
Coding change: c.71A>C on transcript NM_005263.5 (MANE Select); coding-DNA position 71, A replaced by C.
Protein change: p.Asp24Ala; replaces aspartic acid 24 with alanine.
Molecular consequence: missense variant.
Genome position (GRCh38, 1-based): chr1:92,483,417, T>G on the plus strand (A>C on the coding strand, the complement: GFI1 is on the minus strand). VCF-style: chr1-92483417-T-G. GRCh37 (hg19) VCF-style: chr1-92948974-T-G.
Other names: c.71A>C, p.Asp24Ala (NM_001127215.3, NM_001127216.3); short protein forms D24A.
Identifiers: ClinVar variation 4858027 (VCV004858027.1).
Genomic context (GRCh38, chr1:92,483,417, plus strand): 5'-CGCGCGCGCCTCGCACCTGCTCGGCTAGGCGCCGGTACATTCTCTAAACGGAGGGAATAG[T>G]CTGGTCCTGGGGAGCGCGGCTGGTGGTAGCTGTGAGCCTTCTTGCTTTTGACGAGAAATG-3'
Protein context (NP_005254.2, residues 14-34): SYHQPRSPGP[Asp24Ala]YSLRLENVPA

ClinVar aggregate classification (germline): Uncertain significance (1 of 4 stars; one submission).

Submission:

Ambry Genetics
Classification: Uncertain significance. Last evaluated: 2026-03-29. Review status: criteria provided, single submitter. Criteria: Ambry Variant Classification Scheme 2023. Collection method: clinical testing. Allele origin: germline.
Comment: The p.D24A variant (also known as c.71A>C), located in coding exon 1 of the GFI1 gene, results from an A to C substitution at nucleotide position 71. The aspartic acid at codon 24 is replaced by alanine, an amino acid with dissimilar properties. This amino acid position is conserved. In addition, the in silico prediction for this alteration is inconclusive. Based on the available evidence, the clinical significance of this variant remains unclear.